The following is an entry in ClinVar:

ClinVar aggregate classification (germline): Uncertain significance (1 of 4 stars; one submission).

Submission:

Labcorp Genetics (formerly Invitae), Labcorp
Classification: Uncertain significance. Last evaluated: 2022-10-13. Review status: criteria provided, single submitter. Criteria: Invitae Variant Classification Sherloc (09022015). Collection method: clinical testing. Allele origin: germline.
Comment: This sequence change replaces alanine, which is neutral and non-polar, with threonine, which is neutral and polar, at codon 297 of the PNPT1 protein (p.Ala297Thr). This variant is not present in population databases (gnomAD no frequency). This variant has not been reported in the literature in individuals affected with PNPT1-related conditions. Advanced modeling of protein sequence and biophysical properties (such as structural, functional, and spatial information, amino acid conservation, physicochemical variation, residue mobility, and thermodynamic stability) performed at Invitae indicates that this missense variant is not expected to disrupt PNPT1 protein function. In summary, the available evidence is currently insufficient to determine the role of this variant in disease. Therefore, it has been classified as a Variant of Uncertain Significance.

NM_033109.5(PNPT1):c.889G>A (p.Ala297Thr)

Gene: PNPT1 (polyribonucleotide nucleotidyltransferase 1; minus strand). Cytogenetic location: 2p16.1.
Variant type: single nucleotide variant.
Coding change: c.889G>A on transcript NM_033109.5 (MANE Select); coding-DNA position 889, G replaced by A.
Protein change: p.Ala297Thr; replaces alanine 297 with threonine.
Molecular consequence: missense variant.
Genome position (GRCh38, 1-based): chr2:55,672,024, C>T on the plus strand (G>A on the coding strand, the complement: PNPT1 is on the minus strand). VCF-style: chr2-55672024-C-T. GRCh37 (hg19) VCF-style: chr2-55899159-C-T.
Other names: short protein forms A297T.
Identifiers: ClinVar variation 1959280 (VCV001959280.5), dbSNP rs2529573326, ClinGen allele CA346932286.